The following is an entry in ClinVar:

NM_002055.5(GFAP):c.142A>T (p.Thr48Ser)

Gene: GFAP (glial fibrillary acidic protein; minus strand). Cytogenetic location: 17q21.31.
Variant type: single nucleotide variant.
Coding change: c.142A>T on transcript NM_002055.5 (MANE Select); coding-DNA position 142, A replaced by T.
Protein change: p.Thr48Ser; replaces threonine 48 with serine.
Molecular consequence: missense variant.
Genome position (GRCh38, 1-based): chr17:44,915,345, T>A on the plus strand (A>T on the coding strand, the complement: GFAP is on the minus strand). VCF-style: chr17-44915345-T-A. GRCh37 (hg19) VCF-style: chr17-42992713-T-A.
Other names: c.142A>T, p.Thr48Ser (NM_001131019.3, NM_001242376.3, NM_001363846.2); short protein forms T48S.
Identifiers: ClinVar variation 2739845 (VCV002739845.3), dbSNP rs2508950342, ClinGen allele CA399849017.
Genomic context (GRCh38, chr17:44,915,345, plus strand): 5'-TGGCCCGGGTCTCCTTGAAGCCAGCATTGAGTGCCCCAGCCAGGGAGAAATCCACCCGGG[T>A]CGGGAGTGGAGGGGGCATTCGAGCCAGGGAGAGGCGGGTGCCAGGACCCAGACGGCGGCC-3'
Protein context (NP_002046.1, residues 38-58): SLARMPPPLP[Thr48Ser]RVDFSLAGAL

ClinVar aggregate classification (germline): Uncertain significance (1 of 4 stars; one submission).

Submission:

Labcorp Genetics (formerly Invitae), Labcorp
Classification: Uncertain significance. Last evaluated: 2023-10-17. Review status: criteria provided, single submitter. Criteria: Invitae Variant Classification Sherloc (09022015). Collection method: clinical testing. Allele origin: germline.
Comment: This sequence change replaces threonine, which is neutral and polar, with serine, which is neutral and polar, at codon 48 of the GFAP protein (p.Thr48Ser). This variant is not present in population databases (gnomAD no frequency). This variant has not been reported in the literature in individuals affected with GFAP-related conditions. Advanced modeling of protein sequence and biophysical properties (such as structural, functional, and spatial information, amino acid conservation, physicochemical variation, residue mobility, and thermodynamic stability) has been performed at Invitae for this missense variant, however the output from this modeling did not meet the statistical confidence thresholds required to predict the impact of this variant on GFAP protein function. In summary, the available evidence is currently insufficient to determine the role of this variant in disease. Therefore, it has been classified as a Variant of Uncertain Significance.